The following is an entry in ClinVar:

NM_000143.4(FH):c.760C>T (p.Gln254Ter)

Gene: FH (fumarate hydratase; minus strand). Cytogenetic location: 1q43.
Variant type: single nucleotide variant.
Coding change: c.760C>T on transcript NM_000143.4 (MANE Select); coding-DNA position 760, C replaced by T.
Protein change: p.Gln254Ter; replaces glutamine 254 with a stop codon.
Molecular consequence: nonsense.
Genome position (GRCh38, 1-based): chr1:241,506,147, G>A on the plus strand (C>T on the coding strand, the complement: FH is on the minus strand). VCF-style: chr1-241506147-G-A. GRCh37 (hg19) VCF-style: chr1-241669447-G-A.
Other names: short protein forms Q254*.
Identifiers: ClinVar variation 92457 (VCV000092457.18), dbSNP rs398123167, ClinGen allele CA220387.
Genomic context (GRCh38, chr1:241,506,147, plus strand): 5'-CTGCGAGCTCATAGATTCTTGGCATGGCAGCTTTTATTCTTGTCATTGCATATTTTACTT[G>A]TTGAACATAACCACTAAATTCCTGAAAAGAAAAGAAAATTAAGGTAAGAATAAGTAATTC-3'

ClinVar aggregate classification (germline): Pathogenic. Review status: criteria provided, multiple submitters, no conflicts (2 of 4 stars). 3 submissions from 3 submitters: Pathogenic (3). Last evaluated 2025-07-29.

Conditions:
Hereditary cancer-predisposing syndrome. Also called: Hereditary neoplastic syndrome; Tumor predisposition; Neoplastic Syndromes, Hereditary; Hereditary Cancer Syndrome. Identifiers: Orphanet 140162, MedGen C0027672, MeSH D009386, MONDO:0015356.

Submissions (3):

Ambry Genetics
Classification: Pathogenic for Hereditary cancer-predisposing syndrome. Last evaluated: 2025-07-29. Review status: criteria provided, single submitter. Criteria: Ambry Variant Classification Scheme 2023. Collection method: clinical testing. Allele origin: germline.
Comment: The p.Q254* pathogenic mutation (also known as c.760C>T), located in coding exon 6 of the FH gene, results from a C to T substitution at nucleotide position 760. This changes the amino acid from a glutamine to a stop codon within coding exon 6. This variant was reported in individual(s) with features consistent with FH-related tumor predisposition (Alzahrani AS et al. J Clin Endocrinol Metab, 2022 Aug;107:2539-2544; Ambry internal data). This variant is considered to be rare based on population cohorts in the Genome Aggregation Database (gnomAD). This alteration is expected to result in loss of function by premature protein truncation or nonsense-mediated mRNA decay. As such, this alteration is interpreted as a disease-causing mutation.

Labcorp Genetics (formerly Invitae), Labcorp
Classification: Pathogenic. Last evaluated: 2025-05-08. Review status: criteria provided, single submitter. Criteria: Invitae Variant Classification Sherloc (09022015). Collection method: clinical testing. Allele origin: germline.
Comment: This sequence change creates a premature translational stop signal (p.Gln254*) in the FH gene. It is expected to result in an absent or disrupted protein product. Loss-of-function variants in FH are known to be pathogenic (PMID: 11865300, 21398687). This variant is not present in population databases (gnomAD no frequency). This variant has not been reported in the literature in individuals affected with FH-related conditions. ClinVar contains an entry for this variant (Variation ID: 92457). For these reasons, this variant has been classified as Pathogenic.

Eurofins Ntd Llc (ga)
Classification: Pathogenic. Last evaluated: 2013-04-16. Review status: criteria provided, single submitter. Criteria: EGL Classification Definitions 2015. Collection method: clinical testing. Allele origin: germline. Observed: 2 variant alleles, 2 heterozygotes.

Literature cited by the submitters: PubMed 35751867 (cited by Ambry Genetics); PubMed 11865300 (cited by Labcorp Genetics (formerly Invitae), Labcorp); PubMed 21398687 (cited by Labcorp Genetics (formerly Invitae), Labcorp).